The following is an entry in ClinVar:

ClinVar aggregate classification (germline): Likely benign. Review status: criteria provided, multiple submitters, no conflicts (2 of 4 stars). 3 submissions from 3 submitters: Likely benign (3). Last evaluated 2025-08-01.

Conditions:
Gorlin syndrome. Also called: Nevoid Basal Cell Carcinoma Syndrome; Basal cell nevus syndrome. Identifiers: Orphanet 377, MedGen C0004779, MONDO:0007187.
Hereditary cancer-predisposing syndrome. Also called: Hereditary neoplastic syndrome; Neoplastic Syndromes, Hereditary; Hereditary Cancer Syndrome; Tumor predisposition. Identifiers: Orphanet 140162, MedGen C0027672, MeSH D009386, MONDO:0015356.

Allele frequency attached by ClinVar (database versions not stated): gnomAD exomes below 0.00001; TOPMed below 0.00001.
gnomAD v4.1: 5 of 1,613,842 alleles (0.00031%); highest among the groups gnomAD compares: Non-Finnish European, 0.00042%; no homozygotes.

Submissions (3):

CeGaT Center for Human Genetics Tuebingen
Classification: Likely benign. Last evaluated: 2025-08-01. Review status: criteria provided, single submitter. Criteria: CeGaT Center For Human Genetics Tuebingen Variant Classification Criteria Version 2. Collection method: clinical testing. Allele origin: germline. Affected: yes. Observed: 1 variant allele.
Comment: PTCH1: BP4, BP7

Labcorp Genetics (formerly Invitae), Labcorp
Classification: Likely benign for Gorlin syndrome. Last evaluated: 2024-11-22. Review status: criteria provided, single submitter. Criteria: Invitae Variant Classification Sherloc (09022015). Collection method: clinical testing. Allele origin: germline.

Ambry Genetics
Classification: Likely benign for Hereditary cancer-predisposing syndrome. Last evaluated: 2022-05-07. Review status: criteria provided, single submitter. Criteria: Ambry Variant Classification Scheme 2023. Collection method: clinical testing. Allele origin: germline.

NM_000264.5(PTCH1):c.1908T>C (p.Asn636=)

Genes: PTCH1 (patched 1; minus strand), LOC100507346 (uncharacterized LOC100507346; plus strand). Cytogenetic location: 9q22.32.
Variant type: single nucleotide variant.
Coding change: c.1908T>C on transcript NM_000264.5 (MANE Select); coding-DNA position 1908, T replaced by C.
Protein change: p.Asn636=; no amino-acid change (asparagine 636 retained).
Molecular consequence: synonymous variant. On other transcripts: non-coding transcript variant (2).
Genome position (GRCh38, 1-based): chr9:95,469,093, A>G on the plus strand (T>C on the coding strand, the complement: PTCH1 is on the minus strand). VCF-style: chr9-95469093-A-G. GRCh37 (hg19) VCF-style: chr9-98231375-A-G.
Other names: c.1710T>C, p.Asn570= (NM_001083602.3); c.1905T>C, p.Asn635= (NM_001083603.3); c.1455T>C, p.Asn485= (NM_001083604.3, NM_001083605.3, NM_001083606.3 and 1 more transcripts); c.1752T>C, p.Asn584= (NM_001354918.2).
Identifiers: ClinVar variation 453803 (VCV000453803.22), dbSNP rs538643667, ClinGen allele CA196586913.